The following is an entry in ClinVar:

NM_000059.4(BRCA2):c.5217T>C (p.Tyr1739=)

Gene: BRCA2 (BRCA2 DNA repair associated; plus strand). Cytogenetic location: 13q13.1.
Variant type: single nucleotide variant.
Coding change: c.5217T>C on transcript NM_000059.4 (MANE Select); coding-DNA position 5217, T replaced by C.
Protein change: p.Tyr1739=; no amino-acid change (tyrosine 1739 retained).
Molecular consequence: synonymous variant.
Genome position (GRCh38, 1-based): chr13:32,339,572, T>C. VCF-style: chr13-32339572-T-C. GRCh37 (hg19) VCF-style: chr13-32913709-T-C.
Other names: NP_000050.3:p.Tyr1739=.
Identifiers: ClinVar variation 183996 (VCV000183996.43), dbSNP rs80358746, ClinGen allele CA021752.
Genomic context (GRCh38, chr13:32,339,572, plus strand): 5'-TTCAAACAGTACTATAGCTGAAAATGACAAAAATCATCTCTCCGAAAAACAAGATACTTA[T>C]TTAAGTAACAGTAGCATGTCTAACAGCTATTCCTACCATTCTGATGAGGTATATAATGAT-3'
Protein context (NP_000050.3, residues 1729-1749): KNHLSEKQDT[Tyr1739=]LSNSSMSNSY

ClinVar aggregate classification (germline): Likely benign. Review status: reviewed by expert panel (3 of 4 stars). 12 submissions from 12 submitters: Likely benign (1). 11 of the submissions do not count toward it. Last evaluated 2017-06-29.

Conditions:
BRCA2-related cancer predisposition. Identifiers: MedGen CN377758, MONDO:0700269.
Hereditary cancer-predisposing syndrome. Also called: Tumor predisposition; Neoplastic Syndromes, Hereditary; Hereditary neoplastic syndrome; Hereditary Cancer Syndrome. Identifiers: Orphanet 140162, MedGen C0027672, MeSH D009386, MONDO:0015356.
Breast and/or ovarian cancer. Identifiers: MedGen CN221562.
Hereditary breast ovarian cancer syndrome. Also called: Hereditary breast and ovarian cancer syndrome; Hereditary breast and ovarian cancer syndrome (HBOC); Hereditary breast and ovarian cancer; Breast and ovarian cancer; BRCA1- and BRCA2-Associated Hereditary Breast and Ovarian Cancer; Hereditary breast and/or ovarian cancer syndrome. Identifiers: Orphanet 145, MedGen C0677776, MeSH D061325, MONDO:0003582. Disease mechanism: loss of function.
Breast-ovarian cancer, familial, susceptibility to, 2 (BROVCA2). Also called: BRCA2 Hereditary Breast and Ovarian Cancer. Identifiers: Orphanet 145, MedGen C2675520, MONDO:0012933, OMIM 612555. Disease mechanism: loss of function.

Allele frequency attached by ClinVar (database versions not stated): gnomAD exomes below 0.00001; ExAC 0.00001; gnomAD 0.00001; TOPMed 0.00001.
gnomAD v4.1: 10 of 1,609,076 alleles (0.00062%); highest among the groups gnomAD compares: South Asian, 0.0011%; no homozygotes.

Submissions (12):

Evidence-based Network for the Interpretation of Germline Mutant Alleles (ENIGMA)
Classification: Likely benign for Breast-ovarian cancer, familial, susceptibility to, 2. Last evaluated: 2017-06-29. Review status: reviewed by expert panel. Criteria: ENIGMA BRCA1/2 Classification Criteria (2017-06-29). Collection method: curation. Allele origin: germline.
Comment: Synonymous substitution variant, with low bioinformatic likelihood to result in a splicing aberration (Splicing prior probability 0.02).

Labcorp Genetics (formerly Invitae), Labcorp
Classification: Likely benign for Hereditary breast ovarian cancer syndrome. Last evaluated: 2026-01-05. Review status: criteria provided, single submitter. Criteria: Invitae Variant Classification Sherloc (09022015). Collection method: clinical testing. Allele origin: germline. Not counted in ClinVar's aggregate classification.

All of Us Research Program, National Institutes of Health
Classification: Likely benign for BRCA2-related cancer predisposition. Last evaluated: 2024-05-14. Review status: criteria provided, single submitter. Criteria: ACMG Guidelines, 2015. Collection method: clinical testing. Allele origin: germline. Inheritance: Autosomal dominant inheritance. Observed: 4 variant alleles, 4 heterozygotes. Not counted in ClinVar's aggregate classification.
Comment: This study involves interpretation of variants in research participants for the purpose of population health screening. Participant phenotype was not available at the time of variant classification. Additional details can be found in publication PMID: 35346344, PMCID: PMC8962531

Blueprint Genetics
Classification: Likely benign. Last evaluated: 2023-09-28. Review status: criteria provided, single submitter. Criteria: ACMG Guidelines, 2015. Collection method: clinical testing. Allele origin: germline. Not counted in ClinVar's aggregate classification.

KCCC/NGS Laboratory, Kuwait Cancer Control Center
Classification: Likely benign for Breast-ovarian cancer, familial, susceptibility to, 2. Last evaluated: 2023-07-07. Review status: criteria provided, single submitter. Criteria: ACMG Guidelines, 2015. Collection method: clinical testing. Allele origin: germline. Affected: yes. Not counted in ClinVar's aggregate classification.

CHEO Genetics Diagnostic Laboratory, Children's Hospital of Eastern Ontario
Classification: Likely benign for Breast and/or ovarian cancer. Last evaluated: 2022-09-26. Review status: criteria provided, single submitter. Criteria: ACMG Guidelines, 2015. Collection method: clinical testing. Allele origin: germline. Not counted in ClinVar's aggregate classification.

National Health Laboratory Service, Universitas Academic Hospital and University of the Free State
Classification: Likely benign for Hereditary breast ovarian cancer syndrome. Last evaluated: 2021-11-16. Review status: criteria provided, single submitter. Criteria: ACMG Guidelines, 2015. Collection method: clinical testing. Allele origin: germline. Affected: yes. Observed: 1 variant allele. Not counted in ClinVar's aggregate classification.

Women's Health and Genetics/Laboratory Corporation of America, LabCorp
Classification: Likely benign. Last evaluated: 2019-08-21. Review status: criteria provided, single submitter. Criteria: LabCorp Variant Classification Summary - May 2015. Collection method: clinical testing. Allele origin: germline. Not counted in ClinVar's aggregate classification.

GeneDx
Classification: Likely benign. Last evaluated: 2018-10-15. Review status: criteria provided, single submitter. Criteria: GeneDx Variant Classification Process June 2021. Collection method: clinical testing. Allele origin: germline. Affected: yes. Not counted in ClinVar's aggregate classification.

Color Diagnostics, LLC DBA Color Health
Classification: Likely benign for Hereditary cancer-predisposing syndrome. Last evaluated: 2016-12-12. Review status: criteria provided, single submitter. Criteria: ACMG Guidelines, 2015. Collection method: clinical testing. Allele origin: germline. Not counted in ClinVar's aggregate classification.

Ambry Genetics
Classification: Likely benign for Hereditary cancer-predisposing syndrome. Last evaluated: 2014-09-12. Review status: criteria provided, single submitter. Criteria: Ambry Variant Classification Scheme 2023. Collection method: clinical testing. Allele origin: germline. Not counted in ClinVar's aggregate classification.

Counsyl
Classification: Likely benign for Breast-ovarian cancer, familial, susceptibility to, 2. Last evaluated: 2016-10-26. Review status: no assertion criteria provided. Collection method: clinical testing. Allele origin: unknown. Not counted in ClinVar's aggregate classification.

Literature cited by the submitters: DOI 10.3389/fgene.2022.834265 (cited by National Health Laboratory Service, Universitas Academic Hospital and University of the Free State).